The following is an entry in ClinVar:

NM_020778.5(ALPK3):c.515T>G (p.Met172Arg)

Gene: ALPK3 (alpha kinase 3; plus strand). Cytogenetic location: 15q25.3.
Variant type: single nucleotide variant.
Coding change: c.515T>G on transcript NM_020778.5 (MANE Select); coding-DNA position 515, T replaced by G.
Protein change: p.Met172Arg; replaces methionine 172 with arginine.
Molecular consequence: missense variant.
Genome position (GRCh38, 1-based): chr15:84,839,794, T>G. VCF-style: chr15-84839794-T-G. GRCh37 (hg19) VCF-style: chr15-85383025-T-G.
Other names: short protein forms M172R.
Identifiers: ClinVar variation 1329658 (VCV001329658.12), dbSNP rs767791247, ClinGen allele CA7708991.

ClinVar aggregate classification (germline): Conflicting classifications of pathogenicity. Review status: criteria provided, conflicting classifications (1 of 4 stars). 5 submissions from 5 submitters: Uncertain significance (4); Likely benign (1). Last evaluated 2025-02-17.

Conditions:
Cardiomyopathy, familial hypertrophic 27. Identifiers: MedGen C4748014, MONDO:0054838, OMIM 618052.
Cardiovascular phenotype. Identifiers: MedGen CN230736.

Allele frequency attached by ClinVar (database versions not stated): TOPMed below 0.00001; gnomAD 0.00001; gnomAD exomes 0.00003 and 0.00004; ExAC 0.00007.

Submissions (5):

Labcorp Genetics (formerly Invitae), Labcorp
Classification: Uncertain significance. Last evaluated: 2025-02-17. Review status: criteria provided, single submitter. Criteria: Invitae Variant Classification Sherloc (09022015). Collection method: clinical testing. Allele origin: germline.
Comment: This sequence change replaces methionine, which is neutral and non-polar, with arginine, which is basic and polar, at codon 374 of the ALPK3 protein (p.Met374Arg). This variant is present in population databases (rs767791247, gnomAD 0.02%). This variant has not been reported in the literature in individuals affected with ALPK3-related conditions. ClinVar contains an entry for this variant (Variation ID: 1329658). Invitae Evidence Modeling of protein sequence and biophysical properties (such as structural, functional, and spatial information, amino acid conservation, physicochemical variation, residue mobility, and thermodynamic stability) indicates that this missense variant is expected to disrupt ALPK3 protein function with a positive predictive value of 80%. In summary, the available evidence is currently insufficient to determine the role of this variant in disease. Therefore, it has been classified as a Variant of Uncertain Significance.

Ambry Genetics
Classification: Uncertain significance for Cardiovascular phenotype. Last evaluated: 2024-06-22. Review status: criteria provided, single submitter. Criteria: Ambry Variant Classification Scheme 2023. Collection method: clinical testing. Allele origin: germline.
Comment: The p.M374R variant (also known as c.1121T>G), located in coding exon 5 of the ALPK3 gene, results from a T to G substitution at nucleotide position 1121. The methionine at codon 374 is replaced by arginine, an amino acid with similar properties. This amino acid position is conserved. In addition, the in silico prediction for this alteration is inconclusive. Based on the available evidence, the clinical significance of this variant remains unclear.

Blueprint Genetics
Classification: Likely benign. Last evaluated: 2023-03-30. Review status: criteria provided, single submitter. Criteria: ACMG Guidelines, 2015. Collection method: clinical testing. Allele origin: germline.

Victorian Clinical Genetics Services, Murdoch Childrens Research Institute
Classification: Uncertain significance for Cardiomyopathy, familial hypertrophic 27. Last evaluated: 2022-02-02. Review status: criteria provided, single submitter. Criteria: ACMG Guidelines, 2015. Collection method: clinical testing. Allele origin: germline. Inheritance: Autosomal recessive inheritance. Affected: yes.
Comment: Based on the classification scheme VCGS_Germline_v1.3.4, this variant is classified as VUS-3B. Following criteria are met: 0102 - Loss of function is a known mechanism of disease in this gene and is associated with familial hypertrophic cardiomyopathy 27 (MIM#618052). (I) 0106 - This gene is associated with autosomal recessive disease. (I) 0200 - Variant is predicted to result in a missense amino acid change from methionine to arginine. (I) 0251 - This variant is heterozygous. (I) 0304 - Variant is present in gnomAD (v2) <0.01 for a recessive condition (10 heterozygotes, 0 homozygotes). (SP) 0309 - An alternative amino acid change at the same position has been observed in gnomAD (v2) (1 heterozygote, 1 homozygote). (I) 0502 - Missense variant with conflicting in silico predictions and uninformative conservation. (I) 0604 - Variant is not located in an established domain, motif, hotspot or informative constraint region. (I) 0705 - No comparable missense variants have previous evidence for pathogenicity. (I) 0807 - This variant has no previous evidence of pathogenicity. (I) 0905 - No published segregation evidence has been identified for this variant. (I) 1007 - No published functional evidence has been identified for this variant. (I) 1208 - Inheritance information for this variant is not currently available in this individual. (I) Legend: (SP) - Supporting pathogenic, (I) - Information, (SB) - Supporting benign

GeneDx
Classification: Uncertain significance. Last evaluated: 2021-06-21. Review status: criteria provided, single submitter. Criteria: GeneDx Variant Classification Process June 2021. Collection method: clinical testing. Allele origin: germline. Affected: yes.
Comment: In silico analysis supports that this missense variant has a deleterious effect on protein structure/function; Has not been previously published as pathogenic or benign to our knowledge; This variant is associated with the following publications: (PMID: 27535533)